The following is an entry in ClinVar:

NM_182493.3(MYLK3):c.1709T>C (p.Val570Ala)

Gene: MYLK3 (myosin light chain kinase 3; minus strand). Cytogenetic location: 16q11.2.
Variant type: single nucleotide variant.
Coding change: c.1709T>C on transcript NM_182493.3 (MANE Select); coding-DNA position 1709, T replaced by C.
Protein change: p.Val570Ala; replaces valine 570 with alanine.
Molecular consequence: missense variant.
Genome position (GRCh38, 1-based): chr16:46,729,087, A>G on the plus strand (T>C on the coding strand, the complement: MYLK3 is on the minus strand). VCF-style: chr16-46729087-A-G. GRCh37 (hg19) VCF-style: chr16-46762999-A-G.
Other names: c.686T>C, p.Val229Ala (NM_001308301.1); short protein forms V229A, V570A.
Identifiers: ClinVar variation 3623856 (VCV003623856.2).
Genomic context (GRCh38, chr16:46,729,087, plus strand): 5'-TCCATGACAAGGGTGCAGCTGTGCTTGCTCTCGAAGGCGTCATAGAGCTGGATCAGGTTC[A>G]CGTGGCTGAGCTGGTTCATGATGTTGATCTCGTTCTTCACGTCCTCCTTGGGGGAACCAG-3'
Protein context (NP_872299.2, residues 560-580): EINIMNQLSH[Val570Ala]NLIQLYDAFE

ClinVar aggregate classification (germline): Uncertain significance (1 of 4 stars; one submission).

gnomAD v4.1: 9 of 1,614,152 alleles (0.00056%); highest among the groups gnomAD compares: Middle Eastern, 0.017%; no homozygotes.

Submission:

Labcorp Genetics (formerly Invitae), Labcorp
Classification: Uncertain significance. Last evaluated: 2024-11-03. Review status: criteria provided, single submitter. Criteria: Invitae Variant Classification Sherloc (09022015). Collection method: clinical testing. Allele origin: germline.
Comment: This sequence change replaces valine, which is neutral and non-polar, with alanine, which is neutral and non-polar, at codon 570 of the MYLK3 protein (p.Val570Ala). This variant is present in population databases (rs760538629, gnomAD 0.0009%). This variant has not been reported in the literature in individuals affected with MYLK3-related conditions. An algorithm developed to predict the effect of missense changes on protein structure and function (PolyPhen-2) suggests that this variant is likely to be disruptive. In summary, the available evidence is currently insufficient to determine the role of this variant in disease. Therefore, it has been classified as a Variant of Uncertain Significance.